The following is an entry in ClinVar:

NM_003235.5(TG):c.8026C>T (p.Arg2676Trp)

Gene: TG (thyroglobulin; plus strand). Cytogenetic location: 8q24.22.
Variant type: single nucleotide variant.
Coding change: c.8026C>T on transcript NM_003235.5 (MANE Select); coding-DNA position 8026, C replaced by T.
Protein change: p.Arg2676Trp; replaces arginine 2676 with tryptophan.
Molecular consequence: missense variant.
Genome position (GRCh38, 1-based): chr8:133,133,498, C>T. VCF-style: chr8-133133498-C-T. GRCh37 (hg19) VCF-style: chr8-134145742-C-T.
Other names: short protein forms R2676W.
Identifiers: ClinVar variation 770576 (VCV000770576.23), dbSNP rs114613744, ClinGen allele CA4885878.

ClinVar aggregate classification (germline): Conflicting classifications of pathogenicity. Review status: criteria provided, conflicting classifications (1 of 4 stars). 6 submissions from 6 submitters: Uncertain significance (3); Benign (1); Likely benign (2). Last evaluated 2026-08-12.

Conditions:
Iodotyrosyl coupling defect (TDH3). Also called: THYROID HORMONOGENESIS, GENETIC DEFECT IN, 3; HYPOTHYROIDISM, CONGENITAL, DUE TO DYSHORMONOGENESIS, 3. Identifiers: Orphanet 95716, MedGen C0342194, MONDO:0010135, OMIM 274700.

Allele frequency attached by ClinVar (database versions not stated): gnomAD 0.00038 and 0.00044; TOPMed 0.00051; ESP Exome Variant Server 0.00062; gnomAD exomes 0.00069; 1000 Genomes Project 0.00080; ExAC 0.00083; 1000 Genomes Project 30x 0.00094.
gnomAD v4.1: 891 of 1,614,192 alleles (0.055%); highest among the groups gnomAD compares: South Asian, 0.3%; 6 homozygotes.

Submissions (6):

GeneDx
Classification: Uncertain significance. Last evaluated: 2026-08-12. Review status: criteria provided, single submitter. Criteria: GeneDx Variant Classification Process June 2021. Collection method: clinical testing. Allele origin: germline.
Comment: Reported in the heterozygous state in a family with Von Meyenburg complexes, Caroli disease, and autosomal recessive polycystic kidney disease that harbored variants in the PKHD1 gene; however, TG-related thyroid disorders were not mentioned by the authors (PMID: 26385851); In silico analysis supports that this missense variant has a deleterious effect on protein structure/function; This variant is associated with the following publications: (PMID: 26385851)

Labcorp Genetics (formerly Invitae), Labcorp
Classification: Benign. Last evaluated: 2026-01-25. Review status: criteria provided, single submitter. Criteria: Invitae Variant Classification Sherloc (09022015). Collection method: clinical testing. Allele origin: germline.

Women's Health and Genetics/Laboratory Corporation of America, LabCorp
Classification: Likely benign. Last evaluated: 2025-01-28. Review status: criteria provided, single submitter. Criteria: LabCorp Variant Classification Summary - May 2015. Collection method: clinical testing. Allele origin: germline.
Comment: Variant summary: TG c.8026C>T (p.Arg2676Trp) results in a non-conservative amino acid change located in the Carboxylesterase, type B domain (IPR002018) of the encoded protein sequence. Three of five in-silico tools predict a benign effect of the variant on protein function. The variant allele was found at a frequency of 0.00069 in 251400 control chromosomes, predominantly at a frequency of 0.0026 within the South Asian subpopulation in the gnomAD database, including 1 homozygotes. The observed variant frequency within South Asian control individuals in the gnomAD database exceeds the estimated maximal expected allele frequency for a pathogenic variant in TG causing TG-Related Disorders phenotype. c.8026C>T has been reported in the literature in an individual with ductal plate malformations (Courcet_2015). However, this report does not provide unequivocal conclusions about association of the variant with TG-Related Disorders due to the presence of multiple other detected variants, including variants in the PKHD1 gene that the authors consider to be of greater potential relevance to the phenotype. To our knowledge, no experimental evidence demonstrating an impact on protein function has been reported. The following publication has been ascertained in the context of this evaluation (PMID: 26385851). ClinVar contains an entry for this variant (Variation ID: 770576). Based on the evidence outlined above, the variant was classified as likely benign.

Blueprint Genetics
Classification: Likely benign. Last evaluated: 2024-11-26. Review status: criteria provided, single submitter. Criteria: ACMG Guidelines, 2015. Collection method: clinical testing. Allele origin: germline.

Genomic Medicine Center of Excellence, King Faisal Specialist Hospital and Research Centre
Classification: Uncertain significance for Iodotyrosyl coupling defect. Last evaluated: 2024-03-29. Review status: criteria provided, single submitter. Criteria: ACMG Guidelines, 2015. Collection method: clinical testing. Allele origin: germline.

Illumina Laboratory Services, Illumina
Classification: Uncertain significance for Iodotyrosyl coupling defect. Last evaluated: 2018-01-13. Review status: criteria provided, single submitter. Criteria: ICSL Variant Classification Criteria 13 December 2019. Collection method: clinical testing. Allele origin: germline.

Literature cited by the submitters: PubMed 26385851 (cited by Women's Health and Genetics/Laboratory Corporation of America, LabCorp).